The following is an entry in ClinVar:

ClinVar aggregate classification (germline): Uncertain significance (1 of 4 stars; one submission).

Allele frequency attached by ClinVar (database versions not stated): ExAC 0.00001; TOPMed 0.00004; gnomAD 0.00006; gnomAD exomes 0.00007.
gnomAD v4.1: 104 of 1,614,110 alleles (0.0064%); highest among the groups gnomAD compares: Admixed American, 0.0083%; no homozygotes.

Submission:

Labcorp Genetics (formerly Invitae), Labcorp
Classification: Uncertain significance. Last evaluated: 2022-06-04. Review status: criteria provided, single submitter. Criteria: Invitae Variant Classification Sherloc (09022015). Collection method: clinical testing. Allele origin: germline.
Comment: This sequence change replaces isoleucine, which is neutral and non-polar, with valine, which is neutral and non-polar, at codon 88 of the MBTPS1 protein (p.Ile88Val). This variant is present in population databases (rs779138922, gnomAD 0.004%). This variant has not been reported in the literature in individuals affected with MBTPS1-related conditions. Algorithms developed to predict the effect of missense changes on protein structure and function (SIFT, PolyPhen-2, Align-GVGD) all suggest that this variant is likely to be tolerated. In summary, the available evidence is currently insufficient to determine the role of this variant in disease. Therefore, it has been classified as a Variant of Uncertain Significance.

NM_003791.4(MBTPS1):c.262A>G (p.Ile88Val)

Gene: MBTPS1 (membrane bound transcription factor peptidase, site 1; minus strand). Cytogenetic location: 16q23.3.
Variant type: single nucleotide variant.
Coding change: c.262A>G on transcript NM_003791.4 (MANE Select); coding-DNA position 262, A replaced by G.
Protein change: p.Ile88Val; replaces isoleucine 88 with valine.
Molecular consequence: missense variant.
Genome position (GRCh38, 1-based): chr16:84,099,212, T>C on the plus strand (A>G on the coding strand, the complement: MBTPS1 is on the minus strand). VCF-style: chr16-84099212-T-C. GRCh37 (hg19) VCF-style: chr16-84132817-T-C.
Other names: short protein forms I88V.
Identifiers: ClinVar variation 2050534 (VCV002050534.1), dbSNP rs779138922, ClinGen allele CA8201838.
Genomic context (GRCh38, chr16:84,099,212, plus strand): 5'-CTTTTATCTGAATCACCTCAAAATCACTAGGGTAGTCACTGGATGGATTGTTTCGAGGTA[T>C]AATTCTCCAATTGTCTACTTCACTGCTCTTCAGGGCACTTGAAATAAATGAATTTCTAGC-3'
Protein context (NP_003782.1, residues 78-98): KSSEVDNWRI[Ile88Val]PRNNPSSDYP